The following is an entry in ClinVar:

ClinVar aggregate classification (germline): Uncertain significance (1 of 4 stars; one submission).

Conditions:
RYR1-related disorder. Also called: RYR1-related condition; RYR1-related disorders. Identifiers: MedGen CN239331.

gnomAD v4.1: 1 of 1,539,244 alleles (0.000065%); highest among the groups gnomAD compares: Non-Finnish European, 0.000087%; no homozygotes.

Submission:

Labcorp Genetics (formerly Invitae), Labcorp
Classification: Uncertain significance for RYR1-related disorder. Last evaluated: 2024-11-19. Review status: criteria provided, single submitter. Criteria: Invitae Variant Classification Sherloc (09022015). Collection method: clinical testing. Allele origin: germline.
Comment: This sequence change replaces aspartic acid, which is acidic and polar, with asparagine, which is neutral and polar, at codon 4262 of the RYR1 protein (p.Asp4262Asn). This variant is not present in population databases (gnomAD no frequency). This variant has not been reported in the literature in individuals affected with RYR1-related conditions. Invitae Evidence Modeling of protein sequence and biophysical properties (such as structural, functional, and spatial information, amino acid conservation, physicochemical variation, residue mobility, and thermodynamic stability) indicates that this missense variant is not expected to disrupt RYR1 protein function with a negative predictive value of 80%. In summary, the available evidence is currently insufficient to determine the role of this variant in disease. Therefore, it has been classified as a Variant of Uncertain Significance.

NM_000540.3(RYR1):c.12784G>A (p.Asp4262Asn)

Gene: RYR1 (ryanodine receptor 1; plus strand). Cytogenetic location: 19q13.2.
Variant type: single nucleotide variant.
Coding change: c.12784G>A on transcript NM_000540.3 (MANE Select); coding-DNA position 12784, G replaced by A.
Protein change: p.Asp4262Asn; replaces aspartic acid 4262 with asparagine.
Molecular consequence: missense variant.
Genome position (GRCh38, 1-based): chr19:38,565,118, G>A. VCF-style: chr19-38565118-G-A. GRCh37 (hg19) VCF-style: chr19-39055758-G-A.
Other names: c.12769G>A, p.Asp4257Asn (NM_001042723.2); short protein forms D4257N, D4262N.
Identifiers: ClinVar variation 3604744 (VCV003604744.2).